The following is an entry in ClinVar:

NM_004415.4(DSP):c.6965G>A (p.Gly2322Asp)

Gene: DSP (desmoplakin; plus strand). Cytogenetic location: 6p24.3.
Variant type: single nucleotide variant.
Coding change: c.6965G>A on transcript NM_004415.4 (MANE Select); coding-DNA position 6965, G replaced by A.
Protein change: p.Gly2322Asp; replaces glycine 2322 with aspartic acid.
Molecular consequence: missense variant.
Genome position (GRCh38, 1-based): chr6:7,584,227, G>A. VCF-style: chr6-7584227-G-A. GRCh37 (hg19) VCF-style: chr6-7584460-G-A.
Other names: c.5168G>A, p.Gly1723Asp (NM_001008844.3); c.5636G>A, p.Gly1879Asp (NM_001319034.2); short protein forms G1723D, G1879D, G2322D.
Identifiers: ClinVar variation 5035656 (VCV005035656.1).

ClinVar aggregate classification (germline): Uncertain significance (1 of 4 stars; one submission).

Conditions:
Cardiovascular phenotype. Identifiers: MedGen CN230736.

Submission:

Ambry Genetics
Classification: Uncertain significance for Cardiovascular phenotype. Last evaluated: 2026-08-03. Review status: criteria provided, single submitter. Criteria: Ambry Variant Classification Scheme 2023. Collection method: clinical testing. Allele origin: germline.
Comment: The p.G2322D variant (also known as c.6965G>A), located in coding exon 24 of the DSP gene, results from a G to A substitution at nucleotide position 6965. The glycine at codon 2322 is replaced by aspartic acid, an amino acid with similar properties. This amino acid position is conserved. In addition, the in silico prediction for this alteration is inconclusive. Based on the available evidence, the clinical significance of this variant remains unclear.